The following is an entry in ClinVar:

NM_177438.3(DICER1):c.2378A>G (p.Tyr793Cys)

Gene: DICER1 (dicer 1, ribonuclease III; minus strand). Cytogenetic location: 14q32.13.
Variant type: single nucleotide variant.
Coding change: c.2378A>G on transcript NM_177438.3 (MANE Select); coding-DNA position 2378, A replaced by G.
Protein change: p.Tyr793Cys; replaces tyrosine 793 with cysteine.
Molecular consequence: missense variant.
Genome position (GRCh38, 1-based): chr14:95,108,382, T>C on the plus strand (A>G on the coding strand, the complement: DICER1 is on the minus strand). VCF-style: chr14-95108382-T-C. GRCh37 (hg19) VCF-style: chr14-95574719-T-C.
Other names: c.2378A>G, p.Tyr793Cys (NM_001195573.1, NM_001271282.3, NM_001291628.2 and 1 more transcripts); short protein forms Y793C.
Identifiers: ClinVar variation 412167 (VCV000412167.25), dbSNP rs527568726, ClinGen allele CA7331251.

ClinVar aggregate classification (germline): Conflicting classifications of pathogenicity. Review status: criteria provided, conflicting classifications (1 of 4 stars). 8 submissions from 8 submitters: Uncertain significance (6); Likely benign (2). Last evaluated 2026-03-17.

Conditions:
DICER1-related disorder. Also called: DICER1-related condition.
Global developmental delay - lung cysts - overgrowth - Wilms tumor syndrome. Also called: GLOBAL DEVELOPMENTAL DELAY, LUNG CYSTS, OVERGROWTH, AND WILMS TUMOR; GLOW Syndrome. Identifiers: Orphanet 404476, MedGen C4748924, MONDO:0018445, OMIM 618272.
Euthyroid goiter (MNG1). Also called: MULTINODULAR GOITER, ADOLESCENT; Goiter, multinodular 1, with or without Sertoli-Leydig cell tumors; GOITER, NONTOXIC, WITH INTRATHYROIDAL CALCIFICATION; SIMPLE GOITER. Identifiers: Orphanet 276399, MedGen C0302859, MONDO:0007681, OMIM 138800, HP:0009798.
Pleuropulmonary blastoma (PPB). Identifiers: Orphanet 64742, MedGen C1266144, MONDO:0011014, OMIM 601200, HP:0100528.
Rhabdomyosarcoma, embryonal, 2 (RMSE2). Identifiers: MedGen C1867234, MONDO:0859046, OMIM 180295.
DICER1-related tumor predisposition. Also called: DICER1 syndrome; DICER1-related pleuropulmonary blastoma cancer predisposition syndrome. Identifiers: Orphanet 284343, MedGen C3839822, MONDO:0100216.
Hereditary cancer-predisposing syndrome. Also called: Neoplastic Syndromes, Hereditary; Tumor predisposition; Hereditary Cancer Syndrome; Hereditary neoplastic syndrome. Identifiers: Orphanet 140162, MedGen C0027672, MeSH D009386, MONDO:0015356.

Allele frequency attached by ClinVar (database versions not stated): gnomAD exomes 0.00001; ExAC 0.00002; gnomAD 0.00002 and 0.00003; TOPMed 0.00002; 1000 Genomes Project 30x 0.00016; 1000 Genomes Project 0.00020.

Submissions (8):

PreventionGenetics, part of Exact Sciences
Classification: Uncertain significance for DICER1-related condition. Last evaluated: 2026-03-17. Review status: criteria provided, single submitter. Criteria: ACMG Guidelines, 2015. Collection method: clinical testing. Allele origin: germline.
Comment: The DICER1 c.2378A>G variant is predicted to result in the amino acid substitution p.Tyr793Cys. To our knowledge, this variant has not been reported in the literature. This variant is reported in 0.0080% of alleles in individuals of African descent in gnomAD and has conflicting interpretations in ClinVar ranging from likely benign to uncertain (Variation ID: 412167). At this time, the clinical significance of this variant is uncertain due to the absence of conclusive functional and genetic evidence.

Labcorp Genetics (formerly Invitae), Labcorp
Classification: Likely benign for DICER1-related tumor predisposition. Last evaluated: 2026-01-20. Review status: criteria provided, single submitter. Criteria: Invitae Variant Classification Sherloc (09022015). Collection method: clinical testing. Allele origin: germline.

GeneDx
Classification: Uncertain significance. Last evaluated: 2025-08-26. Review status: criteria provided, single submitter. Criteria: GeneDx Variant Classification Process June 2021. Collection method: clinical testing. Allele origin: germline. Affected: yes.
Comment: Not observed at significant frequency in large population cohorts (gnomAD); In silico analysis supports that this missense variant has a deleterious effect on protein structure/function; Has not been previously published as pathogenic or benign to our knowledge

Ambry Genetics
Classification: Uncertain significance for Hereditary cancer-predisposing syndrome. Last evaluated: 2024-08-31. Review status: criteria provided, single submitter. Criteria: Ambry Variant Classification Scheme 2023. Collection method: clinical testing. Allele origin: germline.
Comment: The p.Y793C variant (also known as c.2378A>G), located in coding exon 14 of the DICER1 gene, results from an A to G substitution at nucleotide position 2378. The tyrosine at codon 793 is replaced by cysteine, an amino acid with highly dissimilar properties. This amino acid position is highly conserved in available vertebrate species. In addition, this alteration is predicted to be deleterious by in silico analysis. Since supporting evidence is limited at this time, the clinical significance of this alteration remains unclear.

Fulgent Genetics
Classification: Uncertain significance for Euthyroid goiter; Rhabdomyosarcoma, embryonal, 2; Pleuropulmonary blastoma; Global developmental delay - lung cysts - overgrowth - Wilms tumor syndrome. Last evaluated: 2024-03-13. Review status: criteria provided, single submitter. Criteria: ACMG Guidelines, 2015. Collection method: clinical testing. Allele origin: germline.

Baylor Genetics
Classification: Uncertain significance for Global developmental delay - lung cysts - overgrowth - Wilms tumor syndrome. Last evaluated: 2023-08-28. Review status: criteria provided, single submitter. Criteria: ACMG Guidelines, 2015. Collection method: clinical testing. Allele origin: unknown.

St. Jude Molecular Pathology, St. Jude Children's Research Hospital
Classification: Uncertain significance for Pleuropulmonary blastoma. Last evaluated: 2022-08-01. Review status: criteria provided, single submitter. Criteria: St. Jude Assertion Criteria 2020. Collection method: clinical testing. Allele origin: germline.
Comment: The DICER1 c.2378A>G (p.Tyr793Cys) missense change has a maximum subpopulation frequency of 0.0080% in gnomAD v2.1.1. The in silico tool REVEL predicts a deleterious effect on protein function, but to our knowledge this prediction has not been confirmed by functional studies. To our knowledge, this variant has not been reported in individuals with DICER1 syndrome. In summary, the evidence currently available is insufficient to determine the clinical significance of this variant. It has therefore been classified as of uncertain significance.

Blueprint Genetics
Classification: Likely benign. Last evaluated: 2019-10-04. Review status: criteria provided, single submitter. Criteria: ACMG Guidelines, 2015. Collection method: clinical testing. Allele origin: germline.